The following is an entry in ClinVar:

ClinVar aggregate classification (germline): Uncertain significance (1 of 4 stars; one submission).

Submission:

Ambry Genetics
Classification: Uncertain significance. Last evaluated: 2024-02-01. Review status: criteria provided, single submitter. Criteria: Ambry Variant Classification Scheme 2023. Collection method: clinical testing. Allele origin: germline.
Comment: The p.M39V variant (also known as c.115A>G), located in coding exon 1 of the MNDA gene, results from an A to G substitution at nucleotide position 115. The methionine at codon 39 is replaced by valine, an amino acid with highly similar properties. This amino acid position is conserved. In addition, this alteration is predicted to be tolerated by in silico analysis. Based on the available evidence, the clinical significance of this alteration remains unclear.

NM_002432.3(MNDA):c.115A>G (p.Met39Val)

Gene: MNDA (myeloid cell nuclear differentiation antigen; plus strand). Cytogenetic location: 1q23.1.
Variant type: single nucleotide variant.
Coding change: c.115A>G on transcript NM_002432.3 (MANE Select); coding-DNA position 115, A replaced by G.
Protein change: p.Met39Val; replaces methionine 39 with valine.
Molecular consequence: missense variant.
Genome position (GRCh38, 1-based): chr1:158,842,268, A>G. VCF-style: chr1-158842268-A-G. GRCh37 (hg19) VCF-style: chr1-158812058-A-G.
Other names: short protein forms M39V.
Identifiers: ClinVar variation 3222172 (VCV003222172.1), dbSNP rs2526074830, ClinGen allele CA343036715.
Genomic context (GRCh38, chr1:158,842,268, plus strand): 5'-GATTATCATTTTACATCAATTAAGTCCTTACTGGCCTATGATTTAGGACTAACTACAAAA[A>G]TGCAAGAGGAATACAACAGAATTAAGATTACAGATTTGATGGAAAAAAAGTTCCAAGGCG-3'
Protein context (NP_002423.1, residues 29-49): LAYDLGLTTK[Met39Val]QEEYNRIKIT